The following is an entry in ClinVar:

NM_177438.3(DICER1):c.3685C>T (p.Pro1229Ser)

Gene: DICER1 (dicer 1, ribonuclease III; minus strand). Cytogenetic location: 14q32.13.
Variant type: single nucleotide variant.
Coding change: c.3685C>T on transcript NM_177438.3 (MANE Select); coding-DNA position 3685, C replaced by T.
Protein change: p.Pro1229Ser; replaces proline 1229 with serine.
Molecular consequence: missense variant.
Genome position (GRCh38, 1-based): chr14:95,103,711, G>A on the plus strand (C>T on the coding strand, the complement: DICER1 is on the minus strand). VCF-style: chr14-95103711-G-A. GRCh37 (hg19) VCF-style: chr14-95570048-G-A.
Other names: c.3685C>T, p.Pro1229Ser (NM_001271282.3, NM_001291628.2, NM_030621.4 and 1 more transcripts); short protein forms P1229S.
Identifiers: ClinVar variation 1056090 (VCV001056090.10), dbSNP rs2139962312, ClinGen allele CA390874361.

ClinVar aggregate classification (germline): Uncertain significance (1 of 4 stars; one submission).

Conditions:
DICER1-related tumor predisposition. Also called: DICER1-related pleuropulmonary blastoma cancer predisposition syndrome; DICER1 syndrome. Identifiers: Orphanet 284343, MedGen C3839822, MONDO:0100216.

Allele frequency attached by ClinVar (database versions not stated): gnomAD exomes below 0.00001.
gnomAD v4.1: 2 of 1,614,202 alleles (0.00012%); highest among the groups gnomAD compares: South Asian, 0.0022%; no homozygotes.

Submission:

Labcorp Genetics (formerly Invitae), Labcorp
Classification: Uncertain significance for DICER1-related tumor predisposition. Last evaluated: 2022-04-12. Review status: criteria provided, single submitter. Criteria: Invitae Variant Classification Sherloc (09022015). Collection method: clinical testing. Allele origin: germline.
Comment: Algorithms developed to predict the effect of missense changes on protein structure and function (SIFT, PolyPhen-2, Align-GVGD) all suggest that this variant is likely to be tolerated. ClinVar contains an entry for this variant (Variation ID: 1056090). This variant has not been reported in the literature in individuals affected with DICER1-related conditions. This variant is not present in population databases (gnomAD no frequency). This sequence change replaces proline, which is neutral and non-polar, with serine, which is neutral and polar, at codon 1229 of the DICER1 protein (p.Pro1229Ser). In summary, the available evidence is currently insufficient to determine the role of this variant in disease. Therefore, it has been classified as a Variant of Uncertain Significance.